The following is an entry in ClinVar:

ClinVar aggregate classification (germline): Pathogenic. Review status: criteria provided, multiple submitters, no conflicts (2 of 4 stars). 5 submissions from 5 submitters: Pathogenic (5). Last evaluated 2025-10-03.

Conditions:
Retinal dystrophy. Also called: Inherited retinal dystrophy. Identifiers: Orphanet 71862, MedGen C0854723, MeSH D058499, MONDO:0019118, HP:0000556.
TTLL5-related disorder. Also called: TTLL5-related condition.
Cone-rod dystrophy 19 (CORD19). Identifiers: Orphanet 1872, MedGen C4014501, MONDO:0014372, OMIM 615860.

Allele frequency attached by ClinVar (database versions not stated): gnomAD 0.00002; TOPMed 0.00002; ExAC 0.00003; gnomAD exomes 0.00003; ESP Exome Variant Server 0.00015; 1000 Genomes Project 0.00020; 1000 Genomes Project 30x 0.00031.
gnomAD v4.1: 37 of 1,613,742 alleles (0.0023%); highest among the groups gnomAD compares: Admixed American, 0.005%; 1 homozygote.

Submissions (5):

Labcorp Genetics (formerly Invitae), Labcorp
Classification: Pathogenic. Last evaluated: 2025-10-03. Review status: criteria provided, single submitter. Criteria: Invitae Variant Classification Sherloc (09022015). Collection method: clinical testing. Allele origin: germline.
Comment: This sequence change creates a premature translational stop signal (p.Arg677*) in the TTLL5 gene. It is expected to result in an absent or disrupted protein product. Loss-of-function variants in TTLL5 are known to be pathogenic (PMID: 24791901, 27162334). This variant is present in population databases (rs138370992, gnomAD 0.006%). This variant has not been reported in the literature in individuals affected with TTLL5-related conditions. ClinVar contains an entry for this variant (Variation ID: 859370). Algorithms developed to predict the effect of sequence changes on RNA splicing suggest that this variant may disrupt the consensus splice site. For these reasons, this variant has been classified as Pathogenic.

PreventionGenetics, part of Exact Sciences
Classification: Pathogenic for TTLL5-related condition. Last evaluated: 2024-11-07. Review status: criteria provided, single submitter. Criteria: ACMG Guidelines, 2015. Collection method: clinical testing. Allele origin: germline.
Comment: The TTLL5 c.2029C>T variant is predicted to result in premature protein termination (p.Arg677*). This variant has been reported in the homozygous state or along with a second variant in individuals with cone-rod dystrophy (Oh et al. 2022. PubMed ID: 35365235; Supplementary Table 2, Del Pozo-Valero et al. 2022. PubMed ID: 35119454), of which two affected siblings were homozygous for this variant. This variant was also reported in the BioMe Biobank (Supplementary Table 1, Glicksberg et al. 2019. PubMed ID: 31345219); however, the zygosity, phenotype and number of individuals associated with this variant in this study is unknown. This variant is reported in 0.0058% of alleles in individuals of Latino descent in gnomAD. Nonsense variants in TTLL5 are expected to be pathogenic. This variant is interpreted as pathogenic.

Blueprint Genetics
Classification: Pathogenic for TTLL5-related disorders. Last evaluated: 2024-10-23. Review status: criteria provided, single submitter. Criteria: ACMG Guidelines, 2015. Collection method: clinical testing. Allele origin: germline. Affected: yes. Observed: 5 variant alleles.

Institute of Medical Genetics and Applied Genomics, University Hospital Tübingen
Classification: Pathogenic for Cone-rod dystrophy 19. Last evaluated: 2023-06-22. Review status: criteria provided, single submitter. Criteria: ACMG Guidelines, 2015. Collection method: clinical testing. Allele origin: germline. Inheritance: Autosomal recessive inheritance. Affected: yes.

Institute of Human Genetics, Univ. Regensburg, Univ. Regensburg
Classification: Pathogenic for Retinal dystrophy. Last evaluated: 2018-01-01. Review status: criteria provided, single submitter. Criteria: ACMG Guidelines, 2015. Collection method: clinical testing. Allele origin: germline. Affected: yes.

Literature cited by the submitters: PubMed 24791901 (cited by Labcorp Genetics (formerly Invitae), Labcorp); PubMed 27162334 (cited by Labcorp Genetics (formerly Invitae), Labcorp); PubMed 35365235 (cited by Institute of Human Genetics, Univ. Regensburg, Univ. Regensburg); PubMed 31345219 (cited by Institute of Human Genetics, Univ. Regensburg, Univ. Regensburg); PubMed 31964843 (cited by Institute of Human Genetics, Univ. Regensburg, Univ. Regensburg); PubMed 35119454 (cited by Institute of Human Genetics, Univ. Regensburg, Univ. Regensburg).

NM_015072.5(TTLL5):c.2029C>T (p.Arg677Ter)

Gene: TTLL5 (tubulin tyrosine ligase like 5; plus strand). Cytogenetic location: 14q24.3.
Variant type: single nucleotide variant.
Coding change: c.2029C>T on transcript NM_015072.5 (MANE Select); coding-DNA position 2029, C replaced by T.
Protein change: p.Arg677Ter; replaces arginine 677 with a stop codon.
Molecular consequence: nonsense.
Genome position (GRCh38, 1-based): chr14:75,771,747, C>T. VCF-style: chr14-75771747-C-T. GRCh37 (hg19) VCF-style: chr14-76238090-C-T.
Other names: short protein forms R677*.
Identifiers: ClinVar variation 859370 (VCV000859370.11), dbSNP rs138370992, ClinGen allele CA7279581.